The following is an entry in ClinVar:

ClinVar aggregate classification (germline): Benign/Likely benign. Review status: criteria provided, multiple submitters, no conflicts (2 of 4 stars). 5 submissions from 5 submitters: Benign (1); Likely benign (3). 1 of the submissions does not count toward it. Last evaluated 2025-04-14.

Conditions:
Congenital disorder of glycosylation type Ir (CDG1R). Also called: DDOST-congenital disorder of glycosylation. Identifiers: Orphanet 300536, MedGen C3281084, MONDO:0013789, OMIM 614507.
DDOST-related disorder. Also called: DDOST-related condition.

Allele frequency attached by ClinVar (database versions not stated): gnomAD exomes 0.00020; ExAC 0.00025; gnomAD 0.00074 and 0.00081; ESP Exome Variant Server 0.00092; 1000 Genomes Project 0.00100; TOPMed 0.00113; 1000 Genomes Project 30x 0.00125.
gnomAD v4.1: 221 of 1,613,828 alleles (0.014%); highest among the groups gnomAD compares: African/African-American, 0.22%; 1 homozygote.

Submissions (5):

Labcorp Genetics (formerly Invitae), Labcorp
Classification: Benign for Congenital disorder of glycosylation type Ir. Last evaluated: 2025-04-14. Review status: criteria provided, single submitter. Criteria: Invitae Variant Classification Sherloc (09022015). Collection method: clinical testing. Allele origin: germline.

CeGaT Center for Human Genetics Tuebingen
Classification: Likely benign. Last evaluated: 2024-08-01. Review status: criteria provided, single submitter. Criteria: CeGaT Center For Human Genetics Tuebingen Variant Classification Criteria Version 2. Collection method: clinical testing. Allele origin: germline. Affected: yes. Observed: 1 variant allele.
Comment: DDOST: BP4, BP7

Blueprint Genetics
Classification: Likely benign. Last evaluated: 2024-07-30. Review status: criteria provided, single submitter. Criteria: ACMG Guidelines, 2015. Collection method: clinical testing. Allele origin: germline.

GeneDx
Classification: Likely benign. Last evaluated: 2016-12-19. Review status: criteria provided, single submitter. Criteria: GeneDx Variant Classification (06012015). Collection method: clinical testing. Allele origin: germline. Affected: yes.
Comment: This variant is considered likely benign or benign based on one or more of the following criteria: it is a conservative change, it occurs at a poorly conserved position in the protein, it is predicted to be benign by multiple in silico algorithms, and/or has population frequency not consistent with disease.

PreventionGenetics, part of Exact Sciences
Classification: Likely benign for DDOST-related condition. Last evaluated: 2020-03-23. Review status: no assertion criteria provided. Collection method: clinical testing. Allele origin: germline. Not counted in ClinVar's aggregate classification.
Comment: This variant is classified as likely benign based on ACMG/AMP sequence variant interpretation guidelines (Richards et al. 2015 PMID: 25741868, with internal and published modifications).

NM_005216.5(DDOST):c.36C>G (p.Leu12=)

Gene: DDOST (dolichyl-diphosphooligosaccharide--protein glycosyltransferase non-catalytic subunit; minus strand). Cytogenetic location: 1p36.12.
Variant type: single nucleotide variant.
Coding change: c.36C>G on transcript NM_005216.5 (MANE Select); coding-DNA position 36, C replaced by G.
Protein change: p.Leu12=; no amino-acid change (leucine 12 retained).
Molecular consequence: synonymous variant.
Genome position (GRCh38, 1-based): chr1:20,661,315, G>C on the plus strand (C>G on the coding strand, the complement: DDOST is on the minus strand). VCF-style: chr1-20661315-G-C. GRCh37 (hg19) VCF-style: chr1-20987808-G-C.
Identifiers: ClinVar variation 391800 (VCV000391800.27), dbSNP rs143329944, ClinGen allele CA661382.